The following is an entry in ClinVar:

NM_001320.7(CSNK2B):c.68G>A (p.Cys23Tyr)

Gene: CSNK2B (casein kinase 2 beta; plus strand). Cytogenetic location: 6p21.33.
Variant type: single nucleotide variant.
Coding change: c.68G>A on transcript NM_001320.7 (MANE Select); coding-DNA position 68, G replaced by A.
Protein change: p.Cys23Tyr; replaces cysteine 23 with tyrosine.
Molecular consequence: missense variant.
Genome position (GRCh38, 1-based): chr6:31,666,899, G>A. VCF-style: chr6-31666899-G-A. GRCh37 (hg19) VCF-style: chr6-31634676-G-A.
Other names: c.68G>A, p.Cys23Tyr (NM_001282385.2); short protein forms C23Y.
Identifiers: ClinVar variation 4530122 (VCV004530122.1).
Genomic context (GRCh38, chr6:31,666,899, plus strand): 5'-GCTCAGAGGAGGTGTCCTGGATTTCCTGGTTCTGTGGGCTCCGTGGCAATGAATTCTTCT[G>A]TGAAGTGAGTTCTCTTCAACCTCCCTACTTGCCAGCTTCACATATCTTCCCACCAGACGT-3'
Protein context (NP_001311.3, residues 13-33): FCGLRGNEFF[Cys23Tyr]EVDEDYIQDK

ClinVar aggregate classification (somatic clinical impact): Tier I - Strong (1 of 4 stars; one submission).

Conditions:
Medulloblastoma WNT activated. Identifiers: MedGen C4331965, MONDO:0850196.

Submission:

Institute for Genomic Medicine (IGM) Clinical Laboratory, Nationwide Children's Hospital
Classification: Tier I - Strong for Medulloblastoma WNT activated. Assertion type: diagnostic. Clinical significance: supports diagnosis. Last evaluated: 2024-09-11. Review status: criteria provided, single submitter. Criteria: AMP/ASCO/CAP Guidelines, 2017. Collection method: clinical testing. Allele origin: somatic. Affected: yes.
Comment: Variant has Tier I (strong) clinical significance as a diagnostic inclusion criterion in medulloblastoma WNT activated, based on the following evidence: 1) Appears in one or more well-established professional guidelines (e.g., World Health Organization [WHO]; National Comprehensive Cancer Network [NCCN]) as providing diagnostic, prognostic, or therapeutic information. 2) Diagnostic for a specific tumor type/classification based on well-powered studies with expert-level consensus (Evidence Level B; PMIDs: 22820256, 28726821, 31799776, 30588243).

Literature cited by the submitters: PubMed 22820256; PubMed 28726821; PubMed 31799776; PubMed 30588243.